The following is an entry in ClinVar:

ClinVar aggregate classification (germline): Uncertain significance (1 of 4 stars; one submission).

Submission:

Labcorp Genetics (formerly Invitae), Labcorp
Classification: Uncertain significance. Last evaluated: 2025-12-21. Review status: criteria provided, single submitter. Criteria: Invitae Variant Classification Sherloc (09022015). Collection method: clinical testing. Allele origin: germline.
Comment: This sequence change replaces methionine, which is neutral and non-polar, with isoleucine, which is neutral and non-polar, at codon 136 of the ACAN protein (p.Met136Ile). This variant is present in population databases (rs772856511, gnomAD 0.03%). This variant has not been reported in the literature in individuals affected with ACAN-related conditions. ClinVar contains an entry for this variant (Variation ID: 3609273). Invitae Evidence Modeling of protein sequence and biophysical properties (such as structural, functional, and spatial information, amino acid conservation, physicochemical variation, residue mobility, and thermodynamic stability) indicates that this missense variant is not expected to disrupt ACAN protein function with a negative predictive value of 80%. In summary, the available evidence is currently insufficient to determine the role of this variant in disease. Therefore, it has been classified as a Variant of Uncertain Significance.

NM_001369268.1(ACAN):c.408G>A (p.Met136Ile)

Gene: ACAN (aggrecan; plus strand). Cytogenetic location: 15q26.1.
Variant type: single nucleotide variant.
Coding change: c.408G>A on transcript NM_001369268.1 (MANE Select); coding-DNA position 408, G replaced by A.
Protein change: p.Met136Ile; replaces methionine 136 with isoleucine.
Molecular consequence: missense variant.
Genome position (GRCh38, 1-based): chr15:88,839,000, G>A. VCF-style: chr15-88839000-G-A. GRCh37 (hg19) VCF-style: chr15-89382231-G-A.
Other names: c.408G>A, p.Met136Ile (NM_001135.4, NM_001411096.1, NM_001411097.1 and 1 more transcripts); short protein forms M136I.
Identifiers: ClinVar variation 3609273 (VCV003609273.2).